The following is an entry in ClinVar:

ClinVar aggregate classification (germline): Uncertain significance. Review status: criteria provided, multiple submitters, no conflicts (2 of 4 stars). 6 submissions from 6 submitters: Uncertain significance (6). Last evaluated 2026-09-08.

Conditions:
Fabry disease. Also called: Fabry's disease; Angiokeratoma corporis diffusum; CERAMIDE TRIHEXOSIDASE DEFICIENCY; GLA DEFICIENCY; HEREDITARY DYSTOPIC LIPIDOSIS; ALPHA-GALACTOSIDASE A DEFICIENCY. Identifiers: Orphanet 324, MedGen C0002986, MONDO:0010526, OMIM 301500, HP:0001071. Disease mechanism: loss of function, Fabry disease is due to inactivating mutations in the X-linked GLA gene resulting in deficiency of the enzyme Alpha Galactosidase-A..

Allele frequency attached by ClinVar (database versions not stated): gnomAD exomes 0.00001.

Submissions (6):

Genomenon, Inc
Classification: Uncertain significance for Fabry disease. Last evaluated: 2026-09-08. Review status: criteria provided, single submitter. Criteria: Genomenon Sequence Variant Interpretation Standards - Updated. Collection method: curation. Allele origin: germline. Affected: no.
Comment: GLA p.Ala15Thr (c.43G>A) is a missense variant that changes the amino acid at codon 15 from Alanine to Threonine. This variant has been reported in the published literature (PMID:21972175;32995357;32843101;31036492;27657681). The presence of pathogenic/likely pathogenic missense variant(s) at the same amino acid position indicates that this residue is likely important for protein function. It is absent or not present at a significant frequency in gnomAD. In silico models predict that this variant is not damaging. In conclusion, we classify GLA p.Ala15Thr (c.43G>A) as a variant of uncertain significance.

Labcorp Genetics (formerly Invitae), Labcorp
Classification: Uncertain significance for Fabry disease. Last evaluated: 2024-01-28. Review status: criteria provided, single submitter. Criteria: Invitae Variant Classification Sherloc (09022015). Collection method: clinical testing. Allele origin: germline.
Comment: This sequence change replaces alanine, which is neutral and non-polar, with threonine, which is neutral and polar, at codon 15 of the GLA protein (p.Ala15Thr). This variant is present in population databases (no rsID available, gnomAD 0.008%). This missense change has been observed in individual(s) with GLA-related conditions (PMID: 21972175, 32843101). ClinVar contains an entry for this variant (Variation ID: 918786). Advanced modeling of protein sequence and biophysical properties (such as structural, functional, and spatial information, amino acid conservation, physicochemical variation, residue mobility, and thermodynamic stability) has been performed at Invitae for this missense variant, however the output from this modeling did not meet the statistical confidence thresholds required to predict the impact of this variant on GLA protein function. Experimental studies are conflicting or provide insufficient evidence to determine the effect of this variant on GLA function (PMID: 21972175, 27657681). This variant disrupts the p.Ala15 amino acid residue in GLA. Other variant(s) that disrupt this residue have been determined to be pathogenic (PMID: 22805550, 31996269; Invitae). This suggests that this residue is clinically significant, and that variants that disrupt this residue are likely to be disease-causing. In summary, the available evidence is currently insufficient to determine the role of this variant in disease. Therefore, it has been classified as a Variant of Uncertain Significance.

All of Us Research Program, National Institutes of Health
Classification: Uncertain significance for Fabry disease. Last evaluated: 2023-12-13. Review status: criteria provided, single submitter. Criteria: ACMG Guidelines, 2015. Collection method: clinical testing. Allele origin: germline. Inheritance: X-linked inheritance. Observed: 1 variant allele, 1 heterozygote.
Comment: This missense variant replaces alanine with threonine at codon 15 of the GLA protein. Computational prediction tools indicate that this variant has a neutral impact on protein structure and function. Two functional studies have shown that this variant reduces GLA enzyme activity when expressed in HEK293 cells (PMID: 27657681, 31036492), but another study has shown that this variant has no impact on GLA enzyme activity (PMID: 21972175). This variant has been reported in two unrelated individuals suspected to be affected with Fabry disease (PMID: 21972175, 32843101). This variant has been identified in 1/183408 chromosomes in the general population by the Genome Aggregation Database (gnomAD). A different variant affecting the same codon, p.Ala15Glu, is considered to be disease-causing (ClinVar variation ID: 2138674), suggesting that alanine at this position is important for GLA protein function. The available evidence is insufficient to determine the role of this variant in disease conclusively. Therefore, this variant is classified as a Variant of Uncertain Significance.

This study involves interpretation of variants in research participants for the purpose of population health screening. Participant phenotype was not available at the time of variant classification. Additional details can be found in publication PMID: 35346344, PMCID: PMC8962531

Color Diagnostics, LLC DBA Color Health
Classification: Uncertain significance for Fabry disease. Last evaluated: 2023-11-16. Review status: criteria provided, single submitter. Criteria: ACMG Guidelines, 2015. Collection method: clinical testing. Allele origin: germline.
Comment: This missense variant replaces alanine with threonine at codon 15 of the GLA protein. Computational prediction tools indicate that this variant has a neutral impact on protein structure and function. Two functional studies have shown that this variant reduces GLA enzyme activity when expressed in HEK293 cells (PMID: 27657681, 31036492), but another study has shown that this variant has no impact on GLA enzyme activity (PMID: 21972175). This variant has been reported in two unrelated individuals suspected to be affected with Fabry disease (PMID: 21972175, 32843101). This variant has been identified in 1/183408 chromosomes in the general population by the Genome Aggregation Database (gnomAD). A different variant affecting the same codon, p.Ala15Glu, is considered to be disease-causing (ClinVar variation ID: 2138674), suggesting that alanine at this position is important for GLA protein function. The available evidence is insufficient to determine the role of this variant in disease conclusively. Therefore, this variant is classified as a Variant of Uncertain Significance.

3billion
Classification: Uncertain significance for Fabry disease. Last evaluated: 2021-08-05. Review status: criteria provided, single submitter. Criteria: ACMG Guidelines, 2015. Collection method: clinical testing. Allele origin: germline. Affected: yes. Observed: 1 heterozygote.
Comment: This heterozygous variant (NM_000169.2:c.43G>A) located within the leader protein sequence of GLA gene has been reported with an extremely low frequency in the gnomAD v2.1.1 (Totall allele frequency: 0.000005452). The variant is located in a well-established functional domain or exonic hotspot, where pathogenic variants have frequently reported. Different pathogenic amino acid change (p.Ala15Gly, p.Ala15Pro) has been reported with sufficient evidence at the same codon (PMID: 27657681). Same amino acid change as this variant has been previously reported in affected individual, but it was found to be benign in the functional study (PMID 21972175). In addition, In sillico prediction tools and conservation analysis predicted that this variant was probably not damaging to the protein structure/function (REVEL:0.28 and 3CNET:0.28). Therefore, this variant is classified as uncertain significance according to the recommendation of ACMG/AMP guideline.

Genome-Nilou Lab
Classification: Uncertain significance for Fabry disease. Last evaluated: 2021-07-15. Review status: criteria provided, single submitter. Criteria: ACMG Guidelines, 2015. Collection method: clinical testing. Allele origin: germline. Affected: no.

Literature cited by the submitters: PubMed 21972175 (cited by 5 submitters); PubMed 32995357 (cited by Genomenon, Inc); PubMed 32843101 (cited by 4 submitters); PubMed 31036492 (cited by 3 submitters); PubMed 27657681 (cited by 5 submitters); PubMed 22805550 (cited by Labcorp Genetics (formerly Invitae), Labcorp); PubMed 31996269 (cited by Labcorp Genetics (formerly Invitae), Labcorp).

NM_000169.3(GLA):c.43G>A (p.Ala15Thr)

Genes: GLA (galactosidase alpha; minus strand), RPL36A-HNRNPH2 (RPL36A-HNRNPH2 readthrough; plus strand). Cytogenetic location: Xq22.1.
Variant type: single nucleotide variant.
Coding change: c.43G>A on transcript NM_000169.3 (MANE Select); coding-DNA position 43, G replaced by A.
Protein change: p.Ala15Thr; replaces alanine 15 with threonine.
Molecular consequence: missense variant. On other transcripts: non-coding transcript variant (3), intron variant (2).
Genome position (GRCh38, 1-based): chrX:101,407,861, C>T on the plus strand (G>A on the coding strand, the complement: GLA is on the minus strand). VCF-style: chrX-101407861-C-T. GRCh37 (hg19) VCF-style: chrX-100662849-C-T.
Other names: c.43G>A, p.Ala15Thr (NM_001406747.1, NM_001406748.1, NM_001406749.1); c.301-4075C>T (NM_001199973.2); c.178-4075C>T (NM_001199974.2); short protein forms A15T.
Identifiers: ClinVar variation 918786 (VCV000918786.14), dbSNP rs869312303, ClinGen allele CA413937768.